The following is an entry in ClinVar:

NM_002241.5(KCNJ10):c.934A>G (p.Thr312Ala)

Gene: KCNJ10 (potassium inwardly rectifying channel subfamily J member 10; minus strand). Cytogenetic location: 1q23.2.
Variant type: single nucleotide variant.
Coding change: c.934A>G on transcript NM_002241.5 (MANE Select); coding-DNA position 934, A replaced by G.
Protein change: p.Thr312Ala; replaces threonine 312 with alanine.
Molecular consequence: missense variant.
Genome position (GRCh38, 1-based): chr1:160,041,599, T>C on the plus strand (A>G on the coding strand, the complement: KCNJ10 is on the minus strand). VCF-style: chr1-160041599-T-C. GRCh37 (hg19) VCF-style: chr1-160011389-T-C.
Other names: short protein forms T312A.
Identifiers: ClinVar variation 2092813 (VCV002092813.4), dbSNP rs771187154, ClinGen allele CA343223510.

ClinVar aggregate classification (germline): Uncertain significance (1 of 4 stars; one submission).

Conditions:
EAST syndrome (SESAMES). Also called: SEIZURES, SENSORINEURAL DEAFNESS, ATAXIA, IMPAIRED INTELLECTUAL DEVELOPMENT, AND ELECTROLYTE IMBALANCE. Identifiers: Orphanet 199343, MedGen C2748572, MONDO:0013005, OMIM 612780.

Submission:

Labcorp Genetics (formerly Invitae), Labcorp
Classification: Uncertain significance for EAST syndrome. Last evaluated: 2022-02-04. Review status: criteria provided, single submitter. Criteria: Invitae Variant Classification Sherloc (09022015). Collection method: clinical testing. Allele origin: germline.
Comment: Algorithms developed to predict the effect of missense changes on protein structure and function (SIFT, PolyPhen-2, Align-GVGD) all suggest that this variant is likely to be tolerated. In summary, the available evidence is currently insufficient to determine the role of this variant in disease. Therefore, it has been classified as a Variant of Uncertain Significance. This variant has not been reported in the literature in individuals affected with KCNJ10-related conditions. This variant is not present in population databases (gnomAD no frequency). This sequence change replaces threonine, which is neutral and polar, with alanine, which is neutral and non-polar, at codon 312 of the KCNJ10 protein (p.Thr312Ala).